The following is an entry in ClinVar:

NM_001605.3(AARS1):c.1009G>A (p.Glu337Lys)

Gene: AARS1 (alanyl-tRNA synthetase 1; minus strand). Cytogenetic location: 16q22.1.
Variant type: single nucleotide variant.
Coding change: c.1009G>A on transcript NM_001605.3 (MANE Select); coding-DNA position 1009, G replaced by A.
Protein change: p.Glu337Lys; replaces glutamic acid 337 with lysine.
Molecular consequence: missense variant.
Genome position (GRCh38, 1-based): chr16:70,268,333, C>T on the plus strand (G>A on the coding strand, the complement: AARS1 is on the minus strand). VCF-style: chr16-70268333-C-T. GRCh37 (hg19) VCF-style: chr16-70302236-C-T.
Other names: short protein forms E337K.
Identifiers: ClinVar variation 1323797 (VCV001323797.7), dbSNP rs2152160733, ClinGen allele CA396564214.

ClinVar aggregate classification (germline): Pathogenic. Review status: criteria provided, single submitter (1 of 4 stars). 2 submissions from 2 submitters: Pathogenic (1). 1 of the submissions does not count toward it. Last evaluated 2021-12-17.

Conditions:
Charcot-Marie-Tooth disease type 2. Also called: Charcot-Marie-Tooth type 2. Identifiers: Orphanet 64746, MedGen C0270914, MONDO:0018993.
Charcot-Marie-Tooth disease axonal type 2N (CMT2N). Also called: CHARCOT-MARIE-TOOTH DISEASE, AXONAL, AUTOSOMAL DOMINANT, TYPE 2N; CHARCOT-MARIE-TOOTH NEUROPATHY, AXONAL, TYPE 2N; Charcot-Marie-Tooth Neuropathy Type 2N. Identifiers: Orphanet 228174, MedGen C2750090, MONDO:0013212, OMIM 613287.

Submissions (2):

Labcorp Genetics (formerly Invitae), Labcorp
Classification: Pathogenic for Charcot-Marie-Tooth disease type 2. Last evaluated: 2021-12-17. Review status: criteria provided, single submitter. Criteria: Invitae Variant Classification Sherloc (09022015). Collection method: clinical testing. Allele origin: germline.
Comment: This sequence change replaces glutamic acid, which is acidic and polar, with lysine, which is basic and polar, at codon 337 of the AARS protein (p.Glu337Lys). This variant is not present in population databases (gnomAD no frequency). This missense change has been observed in individuals with Charcot-Marie-Tooth disease (PMID: 30124830; Invitae). It has also been observed to segregate with disease in related individuals. ClinVar contains an entry for this variant (Variation ID: 1323797). Algorithms developed to predict the effect of missense changes on protein structure and function are either unavailable or do not agree on the potential impact of this missense change (SIFT: "Tolerated"; PolyPhen-2: "Probably Damaging"; Align-GVGD: "Class C0"). Experimental studies have shown that this missense change affects AARS function (PMID: 30124830). For these reasons, this variant has been classified as Pathogenic.

OMIM
Classification: Pathogenic for CHARCOT-MARIE-TOOTH DISEASE, AXONAL, TYPE 2N. Last evaluated: 2022-01-05. Review status: no assertion criteria provided. Collection method: literature only. Allele origin: germline. Not counted in ClinVar's aggregate classification.

Literature cited by the submitters: PubMed 30124830 (cited by Labcorp Genetics (formerly Invitae), Labcorp and OMIM).